The following is an entry in ClinVar:

NM_138713.4(NFAT5):c.2981C>T (p.Thr994Ile)

Gene: NFAT5 (nuclear factor of activated T cells 5; plus strand). Cytogenetic location: 16q22.1.
Variant type: single nucleotide variant.
Coding change: c.2981C>T on transcript NM_138713.4 (MANE Select); coding-DNA position 2981, C replaced by T.
Protein change: p.Thr994Ile; replaces threonine 994 with isoleucine.
Molecular consequence: missense variant.
Genome position (GRCh38, 1-based): chr16:69,692,806, C>T. VCF-style: chr16-69692806-C-T. GRCh37 (hg19) VCF-style: chr16-69726709-C-T.
Other names: c.2978C>T, p.Thr993Ile (NM_001113178.3); c.2306C>T, p.Thr769Ile (NM_001367709.1); c.2927C>T, p.Thr976Ile (NM_006599.4); c.2699C>T, p.Thr900Ile (NM_138714.4, NM_173214.3, NM_173215.3); short protein forms T769I, T976I, T900I, T993I, T994I.
Identifiers: ClinVar variation 1362975 (VCV001362975.8), dbSNP rs779718608, ClinGen allele CA8135829.
Genomic context (GRCh38, chr16:69,692,806, plus strand): 5'-CTTCTCCTCCTGCAGTTTCTGGAAATGAAACTTCTACAACTACCACACAGCAGGTTGCAA[C>T]CCCTGGCACTACCATGTTTCAGACATCAAGTTCAGGAGATGGAGAAGAAACTGGAACACA-3'
Protein context (NP_619727.2, residues 984-1004): TSTTTTQQVA[Thr994Ile]PGTTMFQTSS

ClinVar aggregate classification (germline): Uncertain significance (1 of 4 stars; one submission).

Conditions:
Immunodeficiency. Identifiers: MedGen C0021051, MONDO:0021094, HP:0002721.

Allele frequency attached by ClinVar (database versions not stated): gnomAD exomes 0.00003 and 0.00004; ExAC 0.00005.
gnomAD v4.1: 39 of 1,614,210 alleles (0.0024%); highest among the groups gnomAD compares: South Asian, 0.043%; no homozygotes.

Submission:

Labcorp Genetics (formerly Invitae), Labcorp
Classification: Uncertain significance for Immunodeficiency. Last evaluated: 2024-01-18. Review status: criteria provided, single submitter. Criteria: Invitae Variant Classification Sherloc (09022015). Collection method: clinical testing. Allele origin: germline.
Comment: This sequence change replaces threonine, which is neutral and polar, with isoleucine, which is neutral and non-polar, at codon 900 of the NFAT5 protein (p.Thr900Ile). This variant is present in population databases (rs779718608, gnomAD 0.04%), and has an allele count higher than expected for a pathogenic variant. This variant has not been reported in the literature in individuals affected with NFAT5-related conditions. ClinVar contains an entry for this variant (Variation ID: 1362975). An algorithm developed to predict the effect of missense changes on protein structure and function (PolyPhen-2) suggests that this variant is likely to be tolerated. In summary, the available evidence is currently insufficient to determine the role of this variant in disease. Therefore, it has been classified as a Variant of Uncertain Significance.